The following is an entry in ClinVar:

ClinVar aggregate classification (germline): Uncertain significance. Review status: criteria provided, multiple submitters, no conflicts (2 of 4 stars). 3 submissions from 3 submitters: Uncertain significance (3). Last evaluated 2025-09-01.

Conditions:
Hereditary cancer-predisposing syndrome. Also called: Neoplastic Syndromes, Hereditary; Tumor predisposition; Hereditary Cancer Syndrome; Hereditary neoplastic syndrome. Identifiers: Orphanet 140162, MedGen C0027672, MeSH D009386, MONDO:0015356.
Familial cancer of breast. Also called: BREAST CANCER, FAMILIAL; Hereditary breast cancer; hereditary breast carcinoma. Identifiers: Orphanet 227535, MedGen C0346153, MONDO:0016419, OMIM 114480. Disease mechanism: loss of function.

Allele frequency attached by ClinVar (database versions not stated): gnomAD exomes below 0.00001; TOPMed below 0.00001.
gnomAD v4.1: 3 of 1,612,852 alleles (0.00019%); highest among the groups gnomAD compares: Non-Finnish European, 0.00025%; no homozygotes.

Submissions (3):

Ambry Genetics
Classification: Uncertain significance for Hereditary cancer-predisposing syndrome. Last evaluated: 2025-09-01. Review status: criteria provided, single submitter. Criteria: Ambry Variant Classification Scheme 2023. Collection method: clinical testing. Allele origin: germline.
Comment: The p.P442S variant (also known as c.1324C>T), located in coding exon 5 of the BARD1 gene, results from a C to T substitution at nucleotide position 1324. The proline at codon 442 is replaced by serine, an amino acid with similar properties. This variant was reported in 0/60,466 breast cancer cases and in 1/53,461 controls (Dorling et al. N Engl J Med. 2021 02;384:428-439). This amino acid position is not well conserved in available vertebrate species. In addition, this alteration is predicted to be tolerated by in silico analysis. Since supporting evidence is limited at this time, the clinical significance of this alteration remains unclear.

Labcorp Genetics (formerly Invitae), Labcorp
Classification: Uncertain significance for Familial cancer of breast. Last evaluated: 2025-06-02. Review status: criteria provided, single submitter. Criteria: Invitae Variant Classification Sherloc (09022015). Collection method: clinical testing. Allele origin: germline.
Comment: This sequence change replaces proline, which is neutral and non-polar, with serine, which is neutral and polar, at codon 442 of the BARD1 protein (p.Pro442Ser). This variant is present in population databases (no rsID available, gnomAD 0.0009%). This variant has not been reported in the literature in individuals affected with BARD1-related conditions. ClinVar contains an entry for this variant (Variation ID: 482806). An algorithm developed to predict the effect of missense changes on protein structure and function outputs the following: PolyPhen-2: "Benign". The serine amino acid residue is found in multiple mammalian species, which suggests that this missense change does not adversely affect protein function. In summary, the available evidence is currently insufficient to determine the role of this variant in disease. Therefore, it has been classified as a Variant of Uncertain Significance.

Color Diagnostics, LLC DBA Color Health
Classification: Uncertain significance for Hereditary cancer-predisposing syndrome. Last evaluated: 2022-08-08. Review status: criteria provided, single submitter. Criteria: ACMG Guidelines, 2015. Collection method: clinical testing. Allele origin: germline.
Comment: This missense variant replaces proline with serine at codon 442 of the BARD1 protein. Computational prediction suggests that this variant may not impact protein structure and function (internally defined REVEL score threshold <= 0.5, PMID: 27666373). To our knowledge, functional studies have not been reported for this variant. This variant has not been reported in individuals affected with hereditary cancer in the literature. This variant has been identified in 1/251166 chromosomes in the general population by the Genome Aggregation Database (gnomAD). The available evidence is insufficient to determine the role of this variant in disease conclusively. Therefore, this variant is classified as a Variant of Uncertain Significance.

Literature cited by the submitters: PubMed 33471991 (cited by Ambry Genetics).

NM_000465.4(BARD1):c.1324C>T (p.Pro442Ser)

Gene: BARD1 (BRCA1 associated RING domain 1; minus strand). Cytogenetic location: 2q35.
Variant type: single nucleotide variant.
Coding change: c.1324C>T on transcript NM_000465.4 (MANE Select); coding-DNA position 1324, C replaced by T.
Protein change: p.Pro442Ser; replaces proline 442 with serine.
Molecular consequence: missense variant. On other transcripts: non-coding transcript variant (3), intron variant (3).
Genome position (GRCh38, 1-based): chr2:214,769,303, G>A on the plus strand (C>T on the coding strand, the complement: BARD1 is on the minus strand). VCF-style: chr2-214769303-G-A. GRCh37 (hg19) VCF-style: chr2-215634027-G-A.
Other names: c.1267C>T, p.Pro423Ser (NM_001282543.2); c.159-16748C>T (NM_001282548.2); c.216-16748C>T (NM_001282545.2); c.364+22994C>T (NM_001282549.2); short protein forms P442S, P423S.
Identifiers: ClinVar variation 482806 (VCV000482806.22), dbSNP rs1403432043, ClinGen allele CA350450533.